The following is an entry in ClinVar:

NM_001099922.3(ALG13):c.3077A>G (p.Asp1026Gly)

Gene: ALG13 (ALG13 UDP-N-acetylglucosaminyltransferase subunit; plus strand). Cytogenetic location: Xq23.
Variant type: single nucleotide variant.
Coding change: c.3077A>G on transcript NM_001099922.3 (MANE Select); coding-DNA position 3077, A replaced by G.
Protein change: p.Asp1026Gly; replaces aspartic acid 1026 with glycine.
Molecular consequence: missense variant. On other transcripts: non-coding transcript variant (1).
Genome position (GRCh38, 1-based): chrX:111,757,691, A>G. VCF-style: chrX-111757691-A-G. GRCh37 (hg19) VCF-style: chrX-111000919-A-G.
Other names: c.2528A>G, p.Asp843Gly (NM_001257230.2, NM_001257234.2, NM_001257237.2); c.2843A>G, p.Asp948Gly (NM_001257231.2); c.2840A>G, p.Asp947Gly (NM_001324292.2); c.2354A>G, p.Asp785Gly (NM_001324293.1); short protein forms D948G, D785G, D843G, D1026G, D947G.
Identifiers: ClinVar variation 4695993 (VCV004695993.1).
Genomic context (GRCh38, chrX:111,757,691, plus strand): 5'-AGATGCAGCAGCAGCTTCATGTAGAGAATTATCCAGTCTATACTGAGCCACCTCTGGTAG[A>G]TCAAACCGTTCCTCAATGCTACAGTGAGGTGAGGAGAGAAGATGGCATACAGGCGGAAGC-3'
Protein context (NP_001093392.1, residues 1016-1036): YPVYTEPPLV[Asp1026Gly]QTVPQCYSEV

ClinVar aggregate classification (germline): Uncertain significance (1 of 4 stars; one submission).

Conditions:
Developmental and epileptic encephalopathy, 36 (DEE36). Also called: Epileptic encephalopathy, early infantile, 36; Congenital disorder of glycosylation, type Is; ALG13-CDG. Identifiers: Orphanet 324422, MedGen C4317295, MONDO:0010472, OMIM 300884.

gnomAD v4.1: 1 of 1,210,301 alleles (0.000083%); highest among the groups gnomAD compares: Admixed American, 0.0022%; no homozygotes.

Submission:

Labcorp Genetics (formerly Invitae), Labcorp
Classification: Uncertain significance for Developmental and epileptic encephalopathy, 36. Last evaluated: 2025-07-23. Review status: criteria provided, single submitter. Criteria: Invitae Variant Classification Sherloc (09022015). Collection method: clinical testing. Allele origin: germline.
Comment: This sequence change replaces aspartic acid, which is acidic and polar, with glycine, which is neutral and non-polar, at codon 1026 of the ALG13 protein (p.Asp1026Gly). This variant is present in population databases (no rsID available, gnomAD 0.004%). This variant has not been reported in the literature in individuals affected with ALG13-related conditions. An algorithm developed to predict the effect of missense changes on protein structure and function outputs the following: PolyPhen-2: "Benign". The glycine amino acid residue is found in multiple mammalian species, which suggests that this missense change does not adversely affect protein function. In summary, the available evidence is currently insufficient to determine the role of this variant in disease. Therefore, it has been classified as a Variant of Uncertain Significance.